The following is an entry in ClinVar:

NM_000321.3(RB1):c.544T>C (p.Ser182Pro)

Gene: RB1 (RB transcriptional corepressor 1; plus strand). Cytogenetic location: 13q14.2.
Variant type: single nucleotide variant.
Coding change: c.544T>C on transcript NM_000321.3 (MANE Select); coding-DNA position 544, T replaced by C.
Protein change: p.Ser182Pro; replaces serine 182 with proline.
Molecular consequence: missense variant.
Genome position (GRCh38, 1-based): chr13:48,348,960, T>C. VCF-style: chr13-48348960-T-C. GRCh37 (hg19) VCF-style: chr13-48923096-T-C.
Other names: c.544T>C, p.Ser182Pro (NM_001407165.1, NM_001407166.1); short protein forms S182P.
Identifiers: ClinVar variation 5027961 (VCV005027961.1).

ClinVar aggregate classification (germline): Uncertain significance (1 of 4 stars; one submission).

Conditions:
Hereditary cancer-predisposing syndrome. Also called: Neoplastic Syndromes, Hereditary; Tumor predisposition; Hereditary neoplastic syndrome; Hereditary Cancer Syndrome. Identifiers: Orphanet 140162, MedGen C0027672, MeSH D009386, MONDO:0015356.

Submission:

Ambry Genetics
Classification: Uncertain significance for Hereditary cancer-predisposing syndrome. Last evaluated: 2026-07-07. Review status: criteria provided, single submitter. Criteria: Ambry Variant Classification Scheme 2023. Collection method: clinical testing. Allele origin: germline.
Comment: The p.S182P variant (also known as c.544T>C), located in coding exon 6 of the RB1 gene, results from a T to C substitution at nucleotide position 544. The serine at codon 182 is replaced by proline, an amino acid with similar properties. This amino acid position is conserved. In addition, this alteration is predicted to be tolerated by in silico analysis. Based on the available evidence, the clinical significance of this variant remains unclear.